The following is an entry in ClinVar:

ClinVar aggregate classification (germline): Pathogenic (1 of 4 stars; one submission).

Conditions:
Oligodontia-cancer predisposition syndrome. Also called: TOOTH AGENESIS-COLORECTAL CANCER SYNDROME. Identifiers: Orphanet 300576, MedGen C1837750, MONDO:0012075, OMIM 608615. Disease mechanism: loss of function.

Submission:

Labcorp Genetics (formerly Invitae), Labcorp
Classification: Pathogenic for Oligodontia-cancer predisposition syndrome. Last evaluated: 2022-12-17. Review status: criteria provided, single submitter. Criteria: Invitae Variant Classification Sherloc (09022015). Collection method: clinical testing. Allele origin: germline.
Comment: For these reasons, this variant has been classified as Pathogenic. This variant has not been reported in the literature in individuals affected with AXIN2-related conditions. This variant is not present in population databases (gnomAD no frequency). This sequence change creates a premature translational stop signal (p.Glu64Serfs*12) in the AXIN2 gene. It is expected to result in an absent or disrupted protein product. Loss-of-function variants in AXIN2 are known to be pathogenic (PMID: 15042511, 21416598).

Literature cited by the submitters: PubMed 15042511; PubMed 21416598.

NM_004655.4(AXIN2):c.190del (p.Glu64fs)

Gene: AXIN2 (axin 2; minus strand). Cytogenetic location: 17q24.1.
Variant type: Deletion.
Coding change: c.190del on transcript NM_004655.4 (MANE Select); coding-DNA position 190, one base deleted (G; older notation c.190delG).
Protein change: p.Glu64fs; shifts the reading frame from glutamic acid 64.
Molecular consequence: frameshift variant.
Genome position (GRCh38, 1-based): chr17:65,558,431, C deleted on the plus strand (G on the coding strand, the reverse complement: AXIN2 is on the minus strand); the first of 5 consecutive C bases (chr17:65,558,431-65,558,435); deleting any one gives the same sequence. VCF-style (leftmost placement, unchanged base first): chr17-65558430-TC-T. GRCh37 (hg19) VCF-style: chr17-63554548-TC-T.
Other names: c.190del, p.Glu64fs (NM_001363813.1); short protein forms E64fs.
Identifiers: ClinVar variation 2821816 (VCV002821816.3), dbSNP rs2544254111, ClinGen allele CA2739268309.